The following is an entry in ClinVar:

NM_002241.5(KCNJ10):c.192G>A (p.Trp64Ter)

Gene: KCNJ10 (potassium inwardly rectifying channel subfamily J member 10; minus strand). Cytogenetic location: 1q23.2.
Variant type: single nucleotide variant.
Coding change: c.192G>A on transcript NM_002241.5 (MANE Select); coding-DNA position 192, G replaced by A.
Protein change: p.Trp64Ter; replaces tryptophan 64 with a stop codon.
Molecular consequence: nonsense.
Genome position (GRCh38, 1-based): chr1:160,042,341, C>T on the plus strand (G>A on the coding strand, the complement: KCNJ10 is on the minus strand). VCF-style: chr1-160042341-C-T. GRCh37 (hg19) VCF-style: chr1-160012131-C-T.
Other names: short protein forms W64*.
Identifiers: ClinVar variation 4999471 (VCV004999471.1).

ClinVar aggregate classification (germline): Likely pathogenic (1 of 4 stars; one submission).

Conditions:
KCNJ10-related disorder. Also called: KCNJ10-related condition; KCNJ10-related disorders. Identifiers: MedGen CN239321.

Submission:

PreventionGenetics, part of Exact Sciences
Classification: Likely pathogenic for KCNJ10-related condition. Last evaluated: 2026-01-30. Review status: criteria provided, single submitter. Criteria: ACMG Guidelines, 2015. Collection method: clinical testing. Allele origin: germline.
Comment: The KCNJ10 c.192G>A variant is predicted to result in premature protein termination (p.Trp64*). To our knowledge, this variant has not been reported in the literature or in a large population database (gnomAD), indicating this variant is rare. Nonsense variants in KCNJ10 are expected to be pathogenic. This variant is interpreted as likely pathogenic.